The following is an entry in ClinVar:

ClinVar aggregate classification (germline): Likely benign (1 of 4 stars; one submission).

Allele frequency attached by ClinVar (database versions not stated): TOPMed 0.00014; 1000 Genomes Project 30x 0.00047; ESP Exome Variant Server 0.00047; 1000 Genomes Project 0.00060; gnomAD 0.00065; ExAC 0.00069.

Submission:

CeGaT Center for Human Genetics Tuebingen
Classification: Likely benign. Last evaluated: 2022-05-01. Review status: criteria provided, single submitter. Criteria: CeGaT Center For Human Genetics Tuebingen Variant Classification Criteria Version 2. Collection method: clinical testing. Allele origin: germline. Affected: yes. Observed: 1 variant allele.
Comment: FAM135B: BP4, BP7

NM_015912.4(FAM135B):c.750C>T (p.His250=)

Gene: FAM135B (family with sequence similarity 135 member B; minus strand). Cytogenetic location: 8q24.23.
Variant type: single nucleotide variant.
Coding change: c.750C>T on transcript NM_015912.4 (MANE Select); coding-DNA position 750, C replaced by T.
Protein change: p.His250=; no amino-acid change (histidine 250 retained).
Molecular consequence: synonymous variant.
Genome position (GRCh38, 1-based): chr8:138,197,589, G>A on the plus strand (C>T on the coding strand, the complement: FAM135B is on the minus strand). VCF-style: chr8-138197589-G-A. GRCh37 (hg19) VCF-style: chr8-139209832-G-A.
Other names: c.750C>T, p.His250= (NM_001362965.2).
Identifiers: ClinVar variation 2658849 (VCV002658849.24), dbSNP rs201864633, ClinGen allele CA4889755.